The following is an entry in ClinVar:

ClinVar aggregate classification (germline): Uncertain significance. Review status: criteria provided, multiple submitters, no conflicts (2 of 4 stars). 2 submissions from 2 submitters: Uncertain significance (2). Last evaluated 2025-10-09.

Conditions:
Cardiovascular phenotype. Identifiers: MedGen CN230736.
Hereditary cancer-predisposing syndrome. Also called: Hereditary neoplastic syndrome; Tumor predisposition; Hereditary Cancer Syndrome; Neoplastic Syndromes, Hereditary. Identifiers: Orphanet 140162, MedGen C0027672, MeSH D009386, MONDO:0015356.
Neurofibromatosis, type 1 (NF1). Also called: Peripheral type neurofibromatosis; Neurofibromatosis, type I; VON RECKLINGHAUSEN DISEASE; NEUROFIBROMATOSIS, TYPE I, SOMATIC. Identifiers: Orphanet 636, MedGen C0027831, MONDO:0018975, OMIM 162200. Disease mechanism: loss of function.

Submissions (2):

Ambry Genetics
Classification: Uncertain significance for Cardiovascular phenotype; Hereditary cancer-predisposing syndrome. Last evaluated: 2025-10-09. Review status: criteria provided, single submitter. Criteria: Ambry Variant Classification Scheme 2023. Collection method: clinical testing. Allele origin: germline.
Comment: The p.K206N variant (also known as c.618G>C), located in coding exon 6 of the NF1 gene, results from a G to C substitution at nucleotide position 618. The lysine at codon 206 is replaced by asparagine, an amino acid with similar properties. This amino acid position is highly conserved in available vertebrate species. In addition, the in silico prediction for this alteration is inconclusive. Based on the available evidence, the clinical significance of this variant remains unclear.

Labcorp Genetics (formerly Invitae), Labcorp
Classification: Uncertain significance for Neurofibromatosis, type 1. Last evaluated: 2018-04-05. Review status: criteria provided, single submitter. Criteria: Invitae Variant Classification Sherloc (09022015). Collection method: clinical testing. Allele origin: germline.
Comment: In summary, the available evidence is currently insufficient to determine the role of this variant in disease. Therefore, it has been classified as a Variant of Uncertain Significance. Algorithms developed to predict the effect of missense changes on protein structure and function do not agree on the potential impact of this missense change (SIFT: "Tolerated"; PolyPhen-2: "Probably Damaging"; Align-GVGD: "Class C0"). This variant has not been reported in the literature in individuals with NF1-related disease. This variant is not present in population databases (ExAC no frequency). This sequence change replaces lysine with asparagine at codon 206 of the NF1 protein (p.Lys206Asn). The lysine residue is highly conserved and there is a moderate physicochemical difference between lysine and asparagine.

NM_001042492.3(NF1):c.618G>C (p.Lys206Asn)

Gene: NF1 (neurofibromin 1; plus strand). Cytogenetic location: 17q11.2.
Variant type: single nucleotide variant.
Coding change: c.618G>C on transcript NM_001042492.3 (MANE Select); coding-DNA position 618, G replaced by C.
Protein change: p.Lys206Asn; replaces lysine 206 with asparagine.
Molecular consequence: missense variant.
Genome position (GRCh38, 1-based): chr17:31,181,453, G>C. VCF-style: chr17-31181453-G-C. GRCh37 (hg19) VCF-style: chr17-29508471-G-C.
Other names: c.618G>C, p.Lys206Asn (NM_000267.4, NM_001128147.3); short protein forms K206N.
Identifiers: ClinVar variation 579024 (VCV000579024.8), dbSNP rs1567825917, ClinGen allele CA398989342.